The following is an entry in ClinVar:

NM_030665.4(RAI1):c.4283C>T (p.Ala1428Val)

Gene: RAI1 (retinoic acid induced 1; plus strand). Cytogenetic location: 17p11.2.
Variant type: single nucleotide variant.
Coding change: c.4283C>T on transcript NM_030665.4 (MANE Select); coding-DNA position 4283, C replaced by T.
Protein change: p.Ala1428Val; replaces alanine 1428 with valine.
Molecular consequence: missense variant.
Genome position (GRCh38, 1-based): chr17:17,797,231, C>T. VCF-style: chr17-17797231-C-T. GRCh37 (hg19) VCF-style: chr17-17700545-C-T.
Other names: short protein forms A1428V.
Identifiers: ClinVar variation 3347342 (VCV003347342.1).

ClinVar aggregate classification (germline): Uncertain significance (0 of 4 stars; one submission).

Conditions:
RAI1-related disorder. Also called: RAI1-related condition.

Submission:

PreventionGenetics, part of Exact Sciences
Classification: Uncertain significance for RAI1-related condition. Last evaluated: 2024-08-31. Review status: no assertion criteria provided. Collection method: clinical testing. Allele origin: germline.
Comment: The RAI1 c.4283C>T variant is predicted to result in the amino acid substitution p.Ala1428Val. To our knowledge, this variant has not been reported in the literature or in a large population database, indicating this variant is rare. At this time, the clinical significance of this variant is uncertain due to the absence of conclusive functional and genetic evidence.